The following is an entry in ClinVar:

ClinVar aggregate classification (germline): Pathogenic/Likely pathogenic. Review status: criteria provided, multiple submitters, no conflicts (2 of 4 stars). 4 submissions from 4 submitters: Pathogenic (3); Likely pathogenic (1). Last evaluated 2025-12-29.

Conditions:
Hereditary cancer-predisposing syndrome. Also called: Hereditary Cancer Syndrome; Hereditary neoplastic syndrome; Neoplastic Syndromes, Hereditary; Tumor predisposition. Identifiers: Orphanet 140162, MedGen C0027672, MeSH D009386, MONDO:0015356.
Breast-ovarian cancer, familial, susceptibility to, 4. Identifiers: Orphanet 145, MedGen C3280345, MONDO:0013669, OMIM 614291.

Submissions (4):

Center for Genomic Medicine, Rigshospitalet, Copenhagen University Hospital
Classification: Pathogenic. Last evaluated: 2025-12-29. Review status: criteria provided, single submitter. Criteria: ACMG Guidelines, 2015. Collection method: clinical testing. Allele origin: germline.

Department of Clinical Genetics, Copenhagen University Hospital, Rigshospitalet
Classification: Likely pathogenic for Hereditary cancer-predisposing syndrome. Last evaluated: 2025-02-04. Review status: criteria provided, single submitter. Criteria: ACMG Guidelines, 2015. Collection method: clinical testing. Allele origin: germline.
Comment: PVS1; PM2_SUP

Myriad Genetics, Inc.
Classification: Pathogenic for Breast-ovarian cancer, familial, susceptibility to, 4. Last evaluated: 2024-01-04. Review status: criteria provided, single submitter. Criteria: Myriad Autosomal Dominant, Autosomal Recessive and X-Linked Classification Criteria (2023). Collection method: clinical testing. Allele origin: unknown.
Comment: This variant is considered pathogenic. This variant creates a frameshift predicted to result in premature protein truncation.

Ambry Genetics
Classification: Pathogenic for Hereditary cancer-predisposing syndrome. Last evaluated: 2023-12-04. Review status: criteria provided, single submitter. Criteria: Ambry Variant Classification Scheme 2023. Collection method: clinical testing. Allele origin: germline.
Comment: The c.564_568delTGTGGinsA pathogenic mutation, located in coding exon 6 of the RAD51D gene, results from the deletion of 5 nucleotides and insertion of one nucleotide causing a translational frameshift with a predicted alternate stop codon (p.V189Pfs*4). This alteration is expected to result in loss of function by premature protein truncation or nonsense-mediated mRNA decay. As such, this alteration is interpreted as a disease-causing mutation.

NM_002878.4(RAD51D):c.564_568delinsA (p.Val189fs)

Genes: RAD51D (RAD51 paralog D; minus strand), RAD51L3-RFFL (RAD51L3-RFFL readthrough; minus strand). Cytogenetic location: 17q12.
Variant type: Indel.
Coding change: c.564_568delinsA on transcript NM_002878.4 (MANE Select); coding-DNA positions 564 to 568, TGTGG replaced by A.
Protein change: p.Val189fs; shifts the reading frame from valine 189.
Molecular consequence: frameshift variant. On other transcripts: non-coding transcript variant (3).
Genome position (GRCh38, 1-based): chr17:35,106,394-35,106,398, CCACA replaced by T on the plus strand (TGTGG replaced by A on the coding strand, the reverse complement: RAD51D is on the minus strand). VCF-style: chr17-35106394-CCACA-T. GRCh37 (hg19) VCF-style: chr17-33433413-CCACA-T.
Other names: c.624_628delinsA, p.Val209fs (NM_001142571.2); c.228_232delinsA, p.Val77fs (NM_133629.3); short protein forms V209fs, V77fs, V189fs.
Identifiers: ClinVar variation 1748797 (VCV001748797.5), dbSNP rs2509135094, ClinGen allele CA2580093481.